The following is an entry in ClinVar:

ClinVar aggregate classification (germline): Uncertain significance (1 of 4 stars; one submission).

gnomAD v4.1: 23 of 1,613,732 alleles (0.0014%); highest among the groups gnomAD compares: Non-Finnish European, 0.0019%; no homozygotes.

Submission:

Labcorp Genetics (formerly Invitae), Labcorp
Classification: Uncertain significance. Last evaluated: 2025-11-05. Review status: criteria provided, single submitter. Criteria: Invitae Variant Classification Sherloc (09022015). Collection method: clinical testing. Allele origin: germline.
Comment: This sequence change replaces aspartic acid, which is acidic and polar, with valine, which is neutral and non-polar, at codon 2653 of the DCHS1 protein (p.Asp2653Val). This variant is present in population databases (rs775669672, gnomAD 0.002%). This variant has not been reported in the literature in individuals affected with DCHS1-related conditions. ClinVar contains an entry for this variant (Variation ID: 3680358). Invitae Evidence Modeling of protein sequence and biophysical properties (such as structural, functional, and spatial information, amino acid conservation, physicochemical variation, residue mobility, and thermodynamic stability) indicates that this missense variant is not expected to disrupt DCHS1 protein function with a negative predictive value of 80%. In summary, the available evidence is currently insufficient to determine the role of this variant in disease. Therefore, it has been classified as a Variant of Uncertain Significance.

NM_003737.4(DCHS1):c.7958A>T (p.Asp2653Val)

Gene: DCHS1 (dachsous cadherin-related 1; minus strand). Cytogenetic location: 11p15.4.
Variant type: single nucleotide variant.
Coding change: c.7958A>T on transcript NM_003737.4 (MANE Select); coding-DNA position 7958, A replaced by T.
Protein change: p.Asp2653Val; replaces aspartic acid 2653 with valine.
Molecular consequence: missense variant.
Genome position (GRCh38, 1-based): chr11:6,623,718, T>A on the plus strand (A>T on the coding strand, the complement: DCHS1 is on the minus strand). VCF-style: chr11-6623718-T-A. GRCh37 (hg19) VCF-style: chr11-6644949-T-A.
Other names: short protein forms D2653V.
Identifiers: ClinVar variation 3680358 (VCV003680358.2).